The following is an entry in ClinVar:

NM_130384.3(ATRIP):c.1177G>A (p.Glu393Lys)

Genes: ATRIP (ATR interacting protein; plus strand), ATRIP-TREX1 (ATRIP-TREX1 readthrough; plus strand). Cytogenetic location: 3p21.31.
Variant type: single nucleotide variant.
Coding change: c.1177G>A on transcript NM_130384.3 (MANE Select); coding-DNA position 1177, G replaced by A.
Protein change: p.Glu393Lys; replaces glutamic acid 393 with lysine.
Molecular consequence: missense variant. On other transcripts: non-coding transcript variant (1).
Genome position (GRCh38, 1-based): chr3:48,460,231, G>A. VCF-style: chr3-48460231-G-A. GRCh37 (hg19) VCF-style: chr3-48501630-G-A.
Other names: c.796G>A, p.Glu266Lys (NM_001271022.2); c.898G>A, p.Glu300Lys (NM_001271023.2); c.1177G>A, p.Glu393Lys (NM_032166.4); short protein forms E300K, E266K, E393K.
Identifiers: ClinVar variation 3464518 (VCV003464518.1).

ClinVar aggregate classification (germline): Uncertain significance (1 of 4 stars; one submission).

gnomAD v4.1: 7 of 1,614,166 alleles (0.00043%); highest among the groups gnomAD compares: East Asian, 0.011%; no homozygotes.

Submission:

Ambry Genetics
Classification: Uncertain significance. Last evaluated: 2024-11-25. Review status: criteria provided, single submitter. Criteria: Ambry Variant Classification Scheme 2023. Collection method: clinical testing. Allele origin: germline.
Comment: The p.E393K variant (also known as c.1177G>A), located in coding exon 8 of the ATRIP gene, results from a G to A substitution at nucleotide position 1177. The glutamic acid at codon 393 is replaced by lysine, an amino acid with similar properties. This amino acid position is conserved. In addition, this alteration is predicted to be tolerated by in silico analysis. Based on the available evidence, the clinical significance of this variant remains unclear.